The following is an entry in ClinVar:

NM_005188.4(CBL):c.2564C>G (p.Pro855Arg)

Gene: CBL (Cbl proto-oncogene; plus strand). Cytogenetic location: 11q23.3.
Variant type: single nucleotide variant.
Coding change: c.2564C>G on transcript NM_005188.4 (MANE Select); coding-DNA position 2564, C replaced by G.
Protein change: p.Pro855Arg; replaces proline 855 with arginine.
Molecular consequence: missense variant.
Genome position (GRCh38, 1-based): chr11:119,299,624, C>G. VCF-style: chr11-119299624-C-G. GRCh37 (hg19) VCF-style: chr11-119170334-C-G.
Other names: short protein forms P855R.
Identifiers: ClinVar variation 3485615 (VCV003485615.1).

ClinVar aggregate classification (germline): Uncertain significance (1 of 4 stars; one submission).

Conditions:
Cardiovascular phenotype. Identifiers: MedGen CN230736.

Submission:

Ambry Genetics
Classification: Uncertain significance for Cardiovascular phenotype. Last evaluated: 2024-11-24. Review status: criteria provided, single submitter. Criteria: Ambry Variant Classification Scheme 2023. Collection method: clinical testing. Allele origin: germline.
Comment: The p.P855R variant (also known as c.2564C>G), located in coding exon 16 of the CBL gene, results from a C to G substitution at nucleotide position 2564. The proline at codon 855 is replaced by arginine, an amino acid with dissimilar properties. This amino acid position is conserved. In addition, this alteration is predicted to be tolerated by in silico analysis. Based on the available evidence, the clinical significance of this variant remains unclear.